The following is an entry in ClinVar:

ClinVar aggregate classification (germline): Likely benign (1 of 4 stars; one submission).

Submission:

CeGaT Center for Human Genetics Tuebingen
Classification: Likely benign. Last evaluated: 2025-10-01. Review status: criteria provided, single submitter. Criteria: CeGaT Center For Human Genetics Tuebingen Variant Classification Criteria Version 2. Collection method: clinical testing. Allele origin: germline. Affected: yes. Observed: 1 variant allele.
Comment: RP1L1: BP4, BP7

NM_178857.6(RP1L1):c.6555A>T (p.Ala2185=)

Gene: RP1L1 (RP1 like 1). Cytogenetic location: 8p23.1.
Variant type: single nucleotide variant.
Coding change: c.6555A>T on transcript NM_178857.6 (MANE Select); coding-DNA position 6555, A replaced by T.
Protein change: p.Ala2185=; no amino-acid change (alanine 2185 retained).
Molecular consequence: synonymous variant.
Genome position (GRCh38, 1-based): chr8:10,607,543, T>A on the plus strand (A>T on the coding strand, the complement: RP1L1 is on the minus strand). VCF-style: chr8-10607543-T-A. GRCh37 (hg19) VCF-style: chr8-10465053-T-A.
Identifiers: ClinVar variation 4533917 (VCV004533917.6).
Genomic context (GRCh38, chr8:10,607,543, plus strand): 5'-GGCCTCCCCTTCTGCCTCTGGGGCCTCTATACCTTCTGACTCTGGCTGGGCCTCCCCTTC[T>A]GCCTCTGGGGCCTCTACACCTTCTAACTCTGGTTGGGCCTCCTCTTCAGCCTCCTGGGCC-3'
Protein context (NP_849188.4, residues 2175-2195): PELEGVEAPE[Ala2185=]EGEAQPESEG